The following is an entry in ClinVar:

NM_177438.3(DICER1):c.5527+10G>T

Gene: DICER1 (dicer 1, ribonuclease III; minus strand). Cytogenetic location: 14q32.13.
Variant type: single nucleotide variant.
Coding change: c.5527+10G>T on transcript NM_177438.3 (MANE Select); 10 bases into the intron after coding-DNA position 5527, G replaced by T.
Molecular consequence: intron variant.
Genome position (GRCh38, 1-based): chr14:95,091,193, C>A on the plus strand (G>T on the coding strand, the complement: DICER1 is on the minus strand). VCF-style: chr14-95091193-C-A. GRCh37 (hg19) VCF-style: chr14-95557530-C-A.
Other names: c.5527+10G>T (NM_001291628.2, NM_030621.4, NM_001271282.3); c.5365-84G>T (NM_001195573.1).
Identifiers: ClinVar variation 417128 (VCV000417128.18), dbSNP rs764254400, ClinGen allele CA16614157.

ClinVar aggregate classification (germline): Likely benign. Review status: criteria provided, multiple submitters, no conflicts (2 of 4 stars). 3 submissions from 3 submitters: Likely benign (3). Last evaluated 2026-04-14.

Conditions:
DICER1-related tumor predisposition. Also called: DICER1-related pleuropulmonary blastoma cancer predisposition syndrome; DICER1 syndrome. Identifiers: Orphanet 284343, MedGen C3839822, MONDO:0100216.

Allele frequency attached by ClinVar (database versions not stated): gnomAD 0.00001; TOPMed 0.00001.
gnomAD v4.1: 14 of 1,614,068 alleles (0.00087%); highest among the groups gnomAD compares: Non-Finnish European, 0.0012%; no homozygotes.

Submissions (3):

Myriad Genetics, Inc.
Classification: Likely benign for DICER1-related tumor predisposition. Last evaluated: 2026-04-14. Review status: criteria provided, single submitter. Criteria: Myriad Autosomal Dominant, Autosomal Recessive and X-Linked Classification Criteria (2023). Collection method: clinical testing. Allele origin: unknown.
Comment: This variant is considered likely benign. This variant is intronic and is not expected to impact mRNA splicing.

Labcorp Genetics (formerly Invitae), Labcorp
Classification: Likely benign for DICER1-related tumor predisposition. Last evaluated: 2025-09-14. Review status: criteria provided, single submitter. Criteria: Invitae Variant Classification Sherloc (09022015). Collection method: clinical testing. Allele origin: germline.

Center for Genomic Medicine, Rigshospitalet, Copenhagen University Hospital
Classification: Likely benign. Last evaluated: 2025-03-04. Review status: criteria provided, single submitter. Criteria: ACMG Guidelines, 2015. Collection method: clinical testing. Allele origin: germline.